The following is an entry in ClinVar:

ClinVar aggregate classification (germline): Uncertain significance. Review status: criteria provided, multiple submitters, no conflicts (2 of 4 stars). 2 submissions from 2 submitters: Uncertain significance (2). Last evaluated 2025-07-06.

Conditions:
Cardiovascular phenotype. Identifiers: MedGen CN230736.
ANKRD1-related dilated cardiomyopathy. Identifiers: MedGen CN119551.

gnomAD v4.1: 5 of 1,613,910 alleles (0.00031%); highest among the groups gnomAD compares: Non-Finnish European, 0.00042%; no homozygotes.

Submissions (2):

Labcorp Genetics (formerly Invitae), Labcorp
Classification: Uncertain significance for ANKRD1-related dilated cardiomyopathy. Last evaluated: 2025-07-06. Review status: criteria provided, single submitter. Criteria: Invitae Variant Classification Sherloc (09022015). Collection method: clinical testing. Allele origin: germline.
Comment: This sequence change replaces arginine, which is basic and polar, with threonine, which is neutral and polar, at codon 250 of the ANKRD1 protein (p.Arg250Thr). This variant is present in population databases (no rsID available, gnomAD 0.0009%). This variant has not been reported in the literature in individuals affected with ANKRD1-related conditions. ClinVar contains an entry for this variant (Variation ID: 1759196). An algorithm developed to predict the effect of missense changes on protein structure and function (PolyPhen-2) suggests that this variant is likely to be disruptive. In summary, the available evidence is currently insufficient to determine the role of this variant in disease. Therefore, it has been classified as a Variant of Uncertain Significance.

Ambry Genetics
Classification: Uncertain significance for Cardiovascular phenotype. Last evaluated: 2018-03-13. Review status: criteria provided, single submitter. Criteria: Ambry Variant Classification Scheme 2023. Collection method: clinical testing. Allele origin: germline.
Comment: The p.R250T variant (also known as c.749G>C), located in coding exon 7 of the ANKRD1 gene, results from a G to C substitution at nucleotide position 749. The arginine at codon 250 is replaced by threonine, an amino acid with similar properties. This amino acid position is highly conserved in available vertebrate species. In addition, the in silico prediction for this alteration is inconclusive. Since supporting evidence is limited at this time, the clinical significance of this alteration remains unclear.

NM_014391.3(ANKRD1):c.749G>C (p.Arg250Thr)

Gene: ANKRD1 (ankyrin repeat domain 1; minus strand). Cytogenetic location: 10q23.31.
Variant type: single nucleotide variant.
Coding change: c.749G>C on transcript NM_014391.3 (MANE Select); coding-DNA position 749, G replaced by C.
Protein change: p.Arg250Thr; replaces arginine 250 with threonine.
Molecular consequence: missense variant.
Genome position (GRCh38, 1-based): chr10:90,915,783, C>G on the plus strand (G>C on the coding strand, the complement: ANKRD1 is on the minus strand). VCF-style: chr10-90915783-C-G. GRCh37 (hg19) VCF-style: chr10-92675540-C-G.
Other names: short protein forms R250T.
Identifiers: ClinVar variation 1759196 (VCV001759196.5), dbSNP rs997537833, ClinGen allele CA377550000.